The following is an entry in ClinVar:

NM_031157.4(HNRNPA1):c.931A>G (p.Ser311Gly)

Gene: HNRNPA1 (heterogeneous nuclear ribonucleoprotein A1; plus strand). Cytogenetic location: 12q13.13.
Variant type: single nucleotide variant.
Coding change: c.931A>G on transcript NM_031157.4 (MANE Select); coding-DNA position 931, A replaced by G.
Protein change: p.Ser311Gly; replaces serine 311 with glycine.
Molecular consequence: missense variant. On other transcripts: non-coding transcript variant (1).
Genome position (GRCh38, 1-based): chr12:54,283,835, A>G. VCF-style: chr12-54283835-A-G. GRCh37 (hg19) VCF-style: chr12-54677619-A-G.
Other names: c.775A>G, p.Ser259Gly (NM_002136.4); short protein forms S311G, S259G.
Identifiers: ClinVar variation 135591 (VCV000135591.2), dbSNP rs483353021, ClinGen allele CA163032.

ClinVar aggregate classification (germline): Uncertain significance (0 of 4 stars; one submission).

Conditions:
Relapsing remitting multiple sclerosis. Identifiers: MedGen C0751967, MONDO:0005314.

Allele frequency attached by ClinVar (database versions not stated): gnomAD exomes below 0.00001; ExAC 0.00001.

Submission:

Demyelinating Disease Laboratories, VA Medical Center and University of Tennessee
Classification: Uncertain significance. Review status: no assertion criteria provided. Collection method: not provided. Allele origin: somatic.
ClinVar note: Converted during submission from unknown to Uncertain significance.